The following is an entry in ClinVar:

NM_001042616.3(PIGY):c.103A>G (p.Thr35Ala)

Genes: PIGY (phosphatidylinositol glycan anchor biosynthesis class Y; minus strand), PYURF (PIGY upstream open reading frame; minus strand). Cytogenetic location: 4q22.1.
Variant type: single nucleotide variant.
Coding change: c.103A>G on transcript NM_001042616.3 (MANE Select); coding-DNA position 103, A replaced by G.
Protein change: p.Thr35Ala; replaces threonine 35 with alanine.
Molecular consequence: missense variant. On other transcripts: 3 prime UTR variant (1).
Genome position (GRCh38, 1-based): chr4:88,521,687, T>C on the plus strand (A>G on the coding strand, the complement: PIGY is on the minus strand). VCF-style: chr4-88521687-T-C. GRCh37 (hg19) VCF-style: chr4-89442838-T-C.
Other names: c.*201A>G (NM_032906.5); short protein forms T35A.
Identifiers: ClinVar variation 5038917 (VCV005038917.1).

ClinVar aggregate classification (germline): Uncertain significance (1 of 4 stars; one submission).

gnomAD v4.1: 3 of 1,613,906 alleles (0.00019%); highest among the groups gnomAD compares: Non-Finnish European, 0.00025%; no homozygotes.

Submission:

CeGaT Center for Human Genetics Tuebingen
Classification: Uncertain significance. Last evaluated: 2026-07-01. Review status: criteria provided, single submitter. Criteria: CeGaT Center For Human Genetics Tuebingen Variant Classification Criteria Version 2. Collection method: clinical testing. Allele origin: germline. Affected: yes. Observed: 1 variant allele.
Comment: PIGY: PM2, BP4